The following is an entry in ClinVar:

NM_005845.5(ABCC4):c.1460G>A (p.Gly487Glu)

Gene: ABCC4 (ATP binding cassette subfamily C member 4 (PEL blood group); minus strand). Cytogenetic location: 13q32.1.
Variant type: single nucleotide variant.
Coding change: c.1460G>A on transcript NM_005845.5 (MANE Select); coding-DNA position 1460, G replaced by A.
Protein change: p.Gly487Glu; replaces glycine 487 with glutamic acid.
Molecular consequence: missense variant.
Genome position (GRCh38, 1-based): chr13:95,186,786, C>T on the plus strand (G>A on the coding strand, the complement: ABCC4 is on the minus strand). VCF-style: chr13-95186786-C-T. GRCh37 (hg19) VCF-style: chr13-95839040-C-T.
Other names: p.Gly487Glu; c.1460G>A, p.Gly487Glu (NM_001105515.3, NM_001301829.2); c.1235G>A, p.Gly412Glu (NM_001301830.2); short protein forms G412E, G487E.
Identifiers: ClinVar variation 4541790 (VCV004541790.1).

ClinVar aggregate classification (germline): Uncertain significance (1 of 4 stars; one submission).

gnomAD v4.1: 187 of 1,614,128 alleles (0.012%); highest among the groups gnomAD compares: East Asian, 0.39%; no homozygotes.

Submission:

Mayo Clinic Laboratories, Mayo Clinic
Classification: Uncertain significance. Last evaluated: 2025-02-19. Review status: criteria provided, single submitter. Criteria: ACMG Guidelines, 2015. Collection method: clinical testing. Allele origin: germline. Observed: 1 variant allele.
Comment: PP3